The following is an entry in ClinVar:

ClinVar aggregate classification (germline): Benign/Likely benign. Review status: criteria provided, multiple submitters, no conflicts (2 of 4 stars). 3 submissions from 3 submitters: Benign (1); Likely benign (2). Last evaluated 2025-06-11.

Conditions:
Hereditary nonpolyposis colorectal neoplasms. Identifiers: MedGen C0009405, MeSH D003123.
Hereditary cancer-predisposing syndrome. Also called: Neoplastic Syndromes, Hereditary; Tumor predisposition; Hereditary Cancer Syndrome; Hereditary neoplastic syndrome. Identifiers: Orphanet 140162, MedGen C0027672, MeSH D009386, MONDO:0015356.
Lynch syndrome 5 (LYNCH5). Also called: Colorectal cancer, hereditary nonpolyposis, type 5; Hereditary non-polyposis colorectal cancer, type 5. Identifiers: Orphanet 144, MedGen C1833477, MONDO:0013710, OMIM 614350. Disease mechanism: loss of function.

Allele frequency attached by ClinVar (database versions not stated): gnomAD exomes below 0.00001.
gnomAD v4.1: 2 of 1,614,154 alleles (0.00012%); highest among the groups gnomAD compares: Non-Finnish European, 0.00017%; no homozygotes.

Submissions (3):

Labcorp Genetics (formerly Invitae), Labcorp
Classification: Likely benign for Hereditary nonpolyposis colorectal neoplasms. Last evaluated: 2025-06-11. Review status: criteria provided, single submitter. Criteria: Invitae Variant Classification Sherloc (09022015). Collection method: clinical testing. Allele origin: germline.

Myriad Genetics, Inc.
Classification: Benign for Lynch syndrome 5. Last evaluated: 2024-12-23. Review status: criteria provided, single submitter. Criteria: Myriad Autosomal Dominant, Autosomal Recessive and X-Linked Classification Criteria (2023). Collection method: clinical testing. Allele origin: unknown.
Comment: This variant is considered benign. This variant is a silent/synonymous amino acid change and it is not expected to impact splicing.

Ambry Genetics
Classification: Likely benign for Hereditary cancer-predisposing syndrome. Last evaluated: 2014-10-22. Review status: criteria provided, single submitter. Criteria: Ambry Variant Classification Scheme 2023. Collection method: clinical testing. Allele origin: germline.

NM_000179.3(MSH6):c.1113A>G (p.Glu371=)

Gene: MSH6 (mutS homolog 6; plus strand). Cytogenetic location: 2p16.3.
Variant type: single nucleotide variant.
Coding change: c.1113A>G on transcript NM_000179.3 (MANE Select); coding-DNA position 1113, A replaced by G.
Protein change: p.Glu371=; no amino-acid change (glutamic acid 371 retained).
Molecular consequence: synonymous variant.
Genome position (GRCh38, 1-based): chr2:47,799,096, A>G. VCF-style: chr2-47799096-A-G. GRCh37 (hg19) VCF-style: chr2-48026235-A-G.
Other names: c.723A>G, p.Glu241= (NM_001281492.2); c.207A>G, p.Glu69= (NM_001281493.2, NM_001281494.2).
Identifiers: ClinVar variation 186763 (VCV000186763.7), dbSNP rs786203202, ClinGen allele CA008067.